The following is an entry in ClinVar:

ClinVar aggregate classification (germline): Uncertain significance (1 of 4 stars; one submission).

Allele frequency attached by ClinVar (database versions not stated): gnomAD 0.00002; ExAC 0.00004; TOPMed 0.00005; ESP Exome Variant Server 0.00008.
gnomAD v4.1: 58 of 1,613,946 alleles (0.0036%); highest among the groups gnomAD compares: Admixed American, 0.0083%; no homozygotes.

Submission:

Labcorp Genetics (formerly Invitae), Labcorp
Classification: Uncertain significance. Last evaluated: 2024-01-02. Review status: criteria provided, single submitter. Criteria: Invitae Variant Classification Sherloc (09022015). Collection method: clinical testing. Allele origin: germline.
Comment: This sequence change replaces alanine, which is neutral and non-polar, with threonine, which is neutral and polar, at codon 208 of the CLDN14 protein (p.Ala208Thr). This variant is present in population databases (rs371297575, gnomAD 0.009%). This variant has not been reported in the literature in individuals affected with CLDN14-related conditions. An algorithm developed to predict the effect of missense changes on protein structure and function (PolyPhen-2) suggests that this variant is likely to be tolerated. In summary, the available evidence is currently insufficient to determine the role of this variant in disease. Therefore, it has been classified as a Variant of Uncertain Significance.

NM_001146079.2(CLDN14):c.622G>A (p.Ala208Thr)

Genes: CLDN14 (claudin 14; minus strand), CLDN14-AS1 (CLDN14 antisense RNA 1; plus strand). Cytogenetic location: 21q22.13.
Variant type: single nucleotide variant.
Coding change: c.622G>A on transcript NM_001146079.2 (MANE Select); coding-DNA position 622, G replaced by A.
Protein change: p.Ala208Thr; replaces alanine 208 with threonine.
Molecular consequence: missense variant.
Genome position (GRCh38, 1-based): chr21:36,461,074, C>T on the plus strand (G>A on the coding strand, the complement: CLDN14 is on the minus strand). VCF-style: chr21-36461074-C-T. GRCh37 (hg19) VCF-style: chr21-37833372-C-T.
Other names: c.622G>A, p.Ala208Thr (NM_001146077.2, NM_001146078.3, NM_012130.4 and 1 more transcripts); short protein forms A208T.
Identifiers: ClinVar variation 3022968 (VCV003022968.3), dbSNP rs371297575, ClinGen allele CA10019215.